The following is an entry in ClinVar:

NM_001242896.3(DEPDC5):c.856C>T (p.Arg286Ter)

Gene: DEPDC5 (DEP domain containing 5, GATOR1 subcomplex subunit; plus strand). Cytogenetic location: 22q12.2.
Variant type: single nucleotide variant.
Coding change: c.856C>T on transcript NM_001242896.3 (MANE Select); coding-DNA position 856, C replaced by T.
Protein change: p.Arg286Ter; replaces arginine 286 with a stop codon.
Molecular consequence: nonsense. On other transcripts: non-coding transcript variant (5).
Genome position (GRCh38, 1-based): chr22:31,797,688, C>T. VCF-style: chr22-31797688-C-T. GRCh37 (hg19) VCF-style: chr22-32193674-C-T.
Other names: R286*; c.856C>T, p.Arg286Ter (NM_001007188.4, NM_001136029.4, NM_001242897.2 and 7 more transcripts); c.772C>T, p.Arg258Ter (NM_001369901.1, NM_001369902.1); short protein forms R258*.
Identifiers: ClinVar variation 2580197 (VCV002580197.7), dbSNP rs886039255, ClinGen allele CA10588033.

ClinVar aggregate classification (germline): Pathogenic. Review status: criteria provided, multiple submitters, no conflicts (2 of 4 stars). 6 submissions from 6 submitters: Pathogenic (4). 2 of the submissions do not count toward it. Last evaluated 2025-11-07.

Conditions:
Epilepsy, familial focal, with variable foci 1 (FFEVF1). Also called: DEPDC5-Related Epilepsy. Identifiers: MedGen C4551983, MONDO:0024556, OMIM 604364.
Familial focal epilepsy with variable foci (FPEVF). Identifiers: Orphanet 98820, MedGen C1858477, MONDO:0020310.
Developmental and epileptic encephalopathy 111 (DEE111). Identifiers: MedGen C5882690, MONDO:0957780, OMIM 620504.

Submissions (6):

3billion
Classification: Pathogenic for Epilepsy, familial focal, with variable foci 1. Last evaluated: 2025-11-07. Review status: criteria provided, single submitter. Criteria: ACMG Guidelines, 2015. Collection method: clinical testing. Allele origin: germline. Affected: yes.
Comment: The variant is not observed in the gnomAD v4.1.0 dataset. Predicted Consequence/Location: Stop-gained (nonsense): predicted to result in a loss or disruption of normal protein function through nonsense-mediated decay (NMD) or protein truncation. Multiple pathogenic variants are reported downstream of the variant. The variant has been reported at least twice as pathogenic without evidence for the classification (ClinVar ID: VCV002580197 /PMID: 26704558). Therefore, this variant is classified as Pathogenic according to the recommendation of ACMG/AMP guideline.

GeneDx
Classification: Pathogenic. Last evaluated: 2025-08-12. Review status: criteria provided, single submitter. Criteria: GeneDx Variant Classification Process June 2021. Collection method: clinical testing. Allele origin: germline. Affected: yes.
Comment: Not observed at significant frequency in large population cohorts (gnomAD); Nonsense variant predicted to result in protein truncation or nonsense mediated decay in a gene for which loss of function is a known mechanism of disease; This variant is associated with the following publications: (PMID: 26704558, 29708508, 31440721, 30093711, 32712949)

Labcorp Genetics (formerly Invitae), Labcorp
Classification: Pathogenic for Familial focal epilepsy with variable foci. Last evaluated: 2024-10-22. Review status: criteria provided, single submitter. Criteria: Invitae Variant Classification Sherloc (09022015). Collection method: clinical testing. Allele origin: germline.
Comment: This sequence change creates a premature translational stop signal (p.Arg286*) in the DEPDC5 gene. It is expected to result in an absent or disrupted protein product. Loss-of-function variants in DEPDC5 are known to be pathogenic (PMID: 23542697, 23542701). This variant is not present in population databases (gnomAD no frequency). This premature translational stop signal has been observed in individual(s) with familial focal epilepsy with variable foci (PMID: 26704558). ClinVar contains an entry for this variant (Variation ID: 2580197). For these reasons, this variant has been classified as Pathogenic.

Fulgent Genetics
Classification: Pathogenic for Epilepsy, familial focal, with variable foci 1; Developmental and epileptic encephalopathy 111. Last evaluated: 2024-02-13. Review status: criteria provided, single submitter. Criteria: ACMG Guidelines, 2015. Collection method: clinical testing. Allele origin: germline.

OMIM
Classification: Pathogenic for EPILEPSY, FAMILIAL FOCAL, WITH VARIABLE FOCI 1. Last evaluated: 2023-12-08. Review status: no assertion criteria provided. Collection method: literature only. Allele origin: unknown. Not counted in ClinVar's aggregate classification.

GeneReviews
No classification provided. Condition: Epilepsy, familial focal, with variable foci 1. Review status: no classification provided. Collection method: literature only. Allele origin: germline. Affected: yes. Not counted in ClinVar's aggregate classification.

Literature cited by the submitters: PubMed 26704558 (cited by 3 submitters); PubMed 23542697 (cited by Labcorp Genetics (formerly Invitae), Labcorp); PubMed 23542701 (cited by Labcorp Genetics (formerly Invitae), Labcorp); Ribierre, T., Deleuze, C., Bacq, A., Baldassari, S., Marsan, E., Chipaux, M., Muraca, G., Roussel, D., Navarro, V., Leguern, E., Miles, R., Baulac, S. Second-hit mosaic mutation in mTORC1 repressor DEPDC5 causes focal cortical dysplasia-associated epilepsy. J. Clin. Invest. 128: 2452-2458, 2018. (cited by OMIM); NCBI Bookshelf NBK385626 (cited by GeneReviews).